The following is an entry in ClinVar:

NM_007272.3(CTRC):c.277G>A (p.Val93Met)

Gene: CTRC (chymotrypsin C; plus strand). Cytogenetic location: 1p36.21.
Variant type: single nucleotide variant.
Coding change: c.277G>A on transcript NM_007272.3 (MANE Select); coding-DNA position 277, G replaced by A.
Protein change: p.Val93Met; replaces valine 93 with methionine.
Molecular consequence: missense variant.
Genome position (GRCh38, 1-based): chr1:15,442,493, G>A. VCF-style: chr1-15442493-G-A. GRCh37 (hg19) VCF-style: chr1-15768989-G-A.
Other names: short protein forms V93M.
Identifiers: ClinVar variation 1795907 (VCV001795907.3), dbSNP rs760649717, ClinGen allele CA613304.
Genomic context (GRCh38, chr1:15,442,493, plus strand): 5'-CTTCCTCTGCCCAGCAACACCCGGACCTACCGTGTGGCCGTGGGAAAGAACAACCTGGAG[G>A]TGGAAGACGAAGAAGGATCCCTGTTTGTGGGTGTGGACACCATCCACGTCCACAAGAGAT-3'
Protein context (NP_009203.2, residues 83-103): RVAVGKNNLE[Val93Met]EDEEGSLFVG

ClinVar aggregate classification (germline): Uncertain significance (1 of 4 stars; one submission).

Conditions:
Hereditary pancreatitis (PCTT). Also called: Hereditary chronic pancreatitis; PRSS1-Related Hereditary Pancreatitis. Identifiers: Orphanet 676, MedGen C0238339, MONDO:0008185, OMIM 167800.

Allele frequency attached by ClinVar (database versions not stated): ExAC 0.00001.
gnomAD v4.1: 2 of 1,614,196 alleles (0.00012%); highest among the groups gnomAD compares: Non-Finnish European, 0.00017%; no homozygotes.

Submission:

Ambry Genetics
Classification: Uncertain significance for Hereditary pancreatitis. Last evaluated: 2025-10-09. Review status: criteria provided, single submitter. Criteria: Ambry Variant Classification Scheme 2023. Collection method: clinical testing. Allele origin: germline.
Comment: The p.V93M variant (also known as c.277G>A), located in coding exon 4 of the CTRC gene, results from a G to A substitution at nucleotide position 277. The valine at codon 93 is replaced by methionine, an amino acid with highly similar properties. This amino acid position is conserved. In addition, this alteration is predicted to be tolerated by in silico analysis. Since supporting evidence is limited at this time, the clinical significance of this alteration remains unclear.